The following is an entry in ClinVar:

NM_198578.4(LRRK2):c.6427C>T (p.Arg2143Cys)

Gene: LRRK2 (leucine rich repeat kinase 2; plus strand). Cytogenetic location: 12q12.
Variant type: single nucleotide variant.
Coding change: c.6427C>T on transcript NM_198578.4 (MANE Select); coding-DNA position 6427, C replaced by T.
Protein change: p.Arg2143Cys; replaces arginine 2143 with cysteine.
Molecular consequence: missense variant.
Genome position (GRCh38, 1-based): chr12:40,351,584, C>T. VCF-style: chr12-40351584-C-T. GRCh37 (hg19) VCF-style: chr12-40745386-C-T.
Other names: short protein forms R2143C.
Identifiers: ClinVar variation 1954111 (VCV001954111.5), dbSNP rs200827521, ClinGen allele CA6514688.

ClinVar aggregate classification (germline): Uncertain significance (1 of 4 stars; one submission).

Conditions:
Autosomal dominant Parkinson disease 8. Also called: LRRK2-Related Parkinson Disease; Parkinson disease 8; Parkinson disease 8, susceptibility to. Identifiers: Orphanet 411602, MedGen C1846862, MONDO:0011764, OMIM 607060.

Allele frequency attached by ClinVar (database versions not stated): ExAC 0.00002; gnomAD 0.00006; TOPMed 0.00015.
gnomAD v4.1: 70 of 1,613,968 alleles (0.0043%); highest among the groups gnomAD compares: Admixed American, 0.012%; no homozygotes.

Submission:

Labcorp Genetics (formerly Invitae), Labcorp
Classification: Uncertain significance for Autosomal dominant Parkinson disease 8. Last evaluated: 2024-01-25. Review status: criteria provided, single submitter. Criteria: Invitae Variant Classification Sherloc (09022015). Collection method: clinical testing. Allele origin: germline.
Comment: This sequence change replaces arginine, which is basic and polar, with cysteine, which is neutral and slightly polar, at codon 2143 of the LRRK2 protein (p.Arg2143Cys). This variant is present in population databases (rs200827521, gnomAD 0.003%). This variant has not been reported in the literature in individuals affected with LRRK2-related conditions. ClinVar contains an entry for this variant (Variation ID: 1954111). Advanced modeling of protein sequence and biophysical properties (such as structural, functional, and spatial information, amino acid conservation, physicochemical variation, residue mobility, and thermodynamic stability) has been performed at Invitae for this missense variant, however the output from this modeling did not meet the statistical confidence thresholds required to predict the impact of this variant on LRRK2 protein function. In summary, the available evidence is currently insufficient to determine the role of this variant in disease. Therefore, it has been classified as a Variant of Uncertain Significance.